The following is an entry in ClinVar:

ClinVar aggregate classification (germline): Uncertain significance. Review status: criteria provided, multiple submitters, no conflicts (2 of 4 stars). 2 submissions from 2 submitters: Uncertain significance (2). Last evaluated 2024-10-16.

Allele frequency attached by ClinVar (database versions not stated): gnomAD 0.00002; TOPMed 0.00003.
gnomAD v4.1: 3 of 1,613,450 alleles (0.00019%); highest among the groups gnomAD compares: African/African-American, 0.0027%; no homozygotes.

Submissions (2):

Ambry Genetics
Classification: Uncertain significance. Last evaluated: 2024-10-16. Review status: criteria provided, single submitter. Criteria: Ambry Variant Classification Scheme 2023. Collection method: clinical testing. Allele origin: germline.

Labcorp Genetics (formerly Invitae), Labcorp
Classification: Uncertain significance. Last evaluated: 2024-06-12. Review status: criteria provided, single submitter. Criteria: Invitae Variant Classification Sherloc (09022015). Collection method: clinical testing. Allele origin: germline.
Comment: This sequence change replaces leucine, which is neutral and non-polar, with proline, which is neutral and non-polar, at codon 75 of the MAPKAPK3 protein (p.Leu75Pro). This variant is not present in population databases (gnomAD no frequency). This variant has not been reported in the literature in individuals affected with MAPKAPK3-related conditions. ClinVar contains an entry for this variant (Variation ID: 1472919). An algorithm developed to predict the effect of missense changes on protein structure and function (PolyPhen-2) suggests that this variant is likely to be disruptive. In summary, the available evidence is currently insufficient to determine the role of this variant in disease. Therefore, it has been classified as a Variant of Uncertain Significance.

NM_001243925.2(MAPKAPK3):c.224T>C (p.Leu75Pro)

Gene: MAPKAPK3 (MAPK activated protein kinase 3; plus strand). Cytogenetic location: 3p21.2.
Variant type: single nucleotide variant.
Coding change: c.224T>C on transcript NM_001243925.2 (MANE Select); coding-DNA position 224, T replaced by C.
Protein change: p.Leu75Pro; replaces leucine 75 with proline.
Molecular consequence: missense variant.
Genome position (GRCh38, 1-based): chr3:50,640,370, T>C. VCF-style: chr3-50640370-T-C. GRCh37 (hg19) VCF-style: chr3-50677801-T-C.
Other names: c.224T>C (NM_004635.4); c.224T>C, p.Leu75Pro (NM_001243926.2, NM_004635.5); short protein forms L75P.
Identifiers: ClinVar variation 1472919 (VCV001472919.9), dbSNP rs1283225219, ClinGen allele CA352925710.